The following is an entry in ClinVar:

NM_000548.5(TSC2):c.4965G>A (p.Glu1655=)

Gene: TSC2 (TSC complex subunit 2; plus strand). Cytogenetic location: 16p13.3.
Variant type: single nucleotide variant.
Coding change: c.4965G>A on transcript NM_000548.5 (MANE Select); coding-DNA position 4965, G replaced by A.
Protein change: p.Glu1655=; no amino-acid change (glutamic acid 1655 retained).
Molecular consequence: synonymous variant. On other transcripts: non-coding transcript variant (5).
Genome position (GRCh38, 1-based): chr16:2,086,847, G>A. VCF-style: chr16-2086847-G-A. GRCh37 (hg19) VCF-style: chr16-2136848-G-A.
Other names: c.4764G>A, p.Glu1588= (NM_001077183.3); c.4896G>A, p.Glu1632= (NM_001114382.3); c.4656G>A, p.Glu1552= (NM_001318827.2); c.4620G>A, p.Glu1540= (NM_001318829.2); c.4233G>A, p.Glu1411= (NM_001318831.2); c.4797G>A, p.Glu1599= (NM_001318832.2); c.4767G>A, p.Glu1589= (NM_001363528.2); c.4833G>A, p.Glu1611= (NM_001370404.1); and 26 more.
Identifiers: ClinVar variation 2112885 (VCV002112885.5), dbSNP rs1336162242, ClinGen allele CA492960022.

ClinVar aggregate classification (germline): Benign. Review status: criteria provided, multiple submitters, no conflicts (2 of 4 stars). 2 submissions from 2 submitters: Benign (2). Last evaluated 2025-06-05.

Conditions:
Tuberous sclerosis 2 (TSC2). Identifiers: Orphanet 805, MedGen C1860707, MONDO:0013199, OMIM 613254.

Allele frequency attached by ClinVar (database versions not stated): gnomAD exomes below 0.00001.
gnomAD v4.1: 2 of 1,601,124 alleles (0.00012%); highest among the groups gnomAD compares: Admixed American, 0.0017%; no homozygotes.

Submissions (2):

Myriad Genetics, Inc.
Classification: Benign for Tuberous sclerosis 2. Last evaluated: 2025-06-05. Review status: criteria provided, single submitter. Criteria: Myriad Autosomal Dominant, Autosomal Recessive and X-Linked Classification Criteria (2023). Collection method: clinical testing. Allele origin: unknown.
Comment: This variant is considered benign. This variant is a silent/synonymous amino acid change and it is not expected to impact splicing.

Labcorp Genetics (formerly Invitae), Labcorp
Classification: Benign for Tuberous sclerosis 2. Last evaluated: 2024-02-09. Review status: criteria provided, single submitter. Criteria: Invitae Variant Classification Sherloc (09022015). Collection method: clinical testing. Allele origin: germline.